The following is an entry in ClinVar:

NC_000007.14:g.156769206_156769207inv

Genes: LMBR1 (limb development membrane protein 1; minus strand), SHH (sonic hedgehog signaling molecule; minus strand). Cytogenetic location: 7q36.3.
Variant type: Inversion.
Molecular consequence: intron variant (on NM_022458.4).
Genome position: GRCh38 VCF-style: chr7-156769206-GT-AC. GRCh37 (hg19) VCF-style: chr7-156561900-GT-AC.
Other names: c.361-5412_361-5411inv (NM_001363412.2); c.145-5412_145-5411inv (NM_001350954.2); c.424-5412_424-5411inv (NM_001363410.2, NM_022458.4, NM_001363409.2 and 1 more transcripts); c.-33-5412_-33-5411inv (NM_001350958.2, NM_001350956.2, NM_001350955.2 and 1 more transcripts); c.55-5412_55-5411inv (NM_001350957.2, NM_001363411.2).
Identifiers: ClinVar variation 2703363 (VCV002703363.3), ClinGen allele CA2697549723.
Genomic context (GRCh38, chr7:156,769,206, plus strand): 5'-AATAAGCCCAAACACCCTACTCAAAAAGTCACCTGATGCCAGGCTCAGTAGCTCACACCT[GT>AC]AATCCCAGTGCTTCAGGAAGCTGAGGCACCACTCATTTCAGGACTGAGACTCCTTGACTC-3'

ClinVar aggregate classification (germline): Uncertain significance (1 of 4 stars; one submission).

Conditions:
Holoprosencephaly 3 (HPE3). Identifiers: Orphanet 2162, MedGen C1840529, MONDO:0007733, OMIM 142945.

Submission:

Labcorp Genetics (formerly Invitae), Labcorp
Classification: Uncertain significance for Holoprosencephaly 3. Last evaluated: 2024-01-15. Review status: criteria provided, single submitter. Criteria: Invitae Variant Classification Sherloc (09022015). Collection method: clinical testing. Allele origin: germline.
Comment: This variant occurs in a non-coding region of the SHH gene. It does not change the encoded amino acid sequence of the SHH protein. Information on the frequency of this variant in the gnomAD database is not available, as this variant may be reported differently in the database. This variant has not been reported in the literature in individuals affected with SHH-related conditions. Experimental studies and prediction algorithms are not available or were not evaluated, and the effect of this variant on mRNA splicing is currently unknown. In summary, the available evidence is currently insufficient to determine the role of this variant in disease. Therefore, it has been classified as a Variant of Uncertain Significance.